The following is an entry in ClinVar:

NM_031935.3(HMCN1):c.8348A>G (p.Asn2783Ser)

Gene: HMCN1 (hemicentin 1; plus strand). Cytogenetic location: 1q31.1.
Variant type: single nucleotide variant.
Coding change: c.8348A>G on transcript NM_031935.3 (MANE Select); coding-DNA position 8348, A replaced by G.
Protein change: p.Asn2783Ser; replaces asparagine 2783 with serine.
Molecular consequence: missense variant.
Genome position (GRCh38, 1-based): chr1:186,076,485, A>G. VCF-style: chr1-186076485-A-G. GRCh37 (hg19) VCF-style: chr1-186045617-A-G.
Other names: short protein forms N2783S.
Identifiers: ClinVar variation 1520104 (VCV001520104.6), dbSNP rs139211435, ClinGen allele CA1293099.

ClinVar aggregate classification (germline): Uncertain significance (1 of 4 stars; one submission).

Allele frequency attached by ClinVar (database versions not stated): gnomAD exomes 0.00001 and 0.00004; ExAC 0.00005; TOPMed 0.00007; gnomAD 0.00012 and 0.00014; 1000 Genomes Project 30x 0.00016; 1000 Genomes Project 0.00020; ESP Exome Variant Server 0.00023.
gnomAD v4.1: 37 of 1,613,782 alleles (0.0023%); highest among the groups gnomAD compares: African/African-American, 0.035%; no homozygotes.

Submission:

Labcorp Genetics (formerly Invitae), Labcorp
Classification: Uncertain significance. Last evaluated: 2026-01-08. Review status: criteria provided, single submitter. Criteria: Invitae Variant Classification Sherloc (09022015). Collection method: clinical testing. Allele origin: germline.
Comment: This sequence change replaces asparagine, which is neutral and polar, with serine, which is neutral and polar, at codon 2783 of the HMCN1 protein (p.Asn2783Ser). This variant is present in population databases (rs139211435, gnomAD 0.05%). This variant has not been reported in the literature in individuals affected with HMCN1-related conditions. ClinVar contains an entry for this variant (Variation ID: 1520104). An algorithm developed to predict the effect of missense changes on protein structure and function outputs the following: PolyPhen-2: "Benign". The serine amino acid residue is found in multiple mammalian species, which suggests that this missense change does not adversely affect protein function. In summary, the available evidence is currently insufficient to determine the role of this variant in disease. Therefore, it has been classified as a Variant of Uncertain Significance.